The following is an entry in ClinVar:

NM_030957.4(ADAMTS10):c.2923G>T (p.Asp975Tyr)

Gene: ADAMTS10 (ADAM metallopeptidase with thrombospondin type 1 motif 10; minus strand). Cytogenetic location: 19p13.2.
Variant type: single nucleotide variant.
Coding change: c.2923G>T on transcript NM_030957.4 (MANE Select); coding-DNA position 2923, G replaced by T.
Protein change: p.Asp975Tyr; replaces aspartic acid 975 with tyrosine.
Molecular consequence: missense variant.
Genome position (GRCh38, 1-based): chr19:8,585,251, C>A on the plus strand (G>T on the coding strand, the complement: ADAMTS10 is on the minus strand). VCF-style: chr19-8585251-C-A. GRCh37 (hg19) VCF-style: chr19-8650135-C-A.
Other names: c.1384G>T, p.Asp462Tyr (NM_001282352.2); short protein forms D462Y, D975Y.
Identifiers: ClinVar variation 3607088 (VCV003607088.2).

ClinVar aggregate classification (germline): Uncertain significance (1 of 4 stars; one submission).

gnomAD v4.1: 7 of 1,488,150 alleles (0.00047%); highest among the groups gnomAD compares: South Asian, 0.0013%; no homozygotes.

Submission:

Labcorp Genetics (formerly Invitae), Labcorp
Classification: Uncertain significance. Last evaluated: 2024-09-03. Review status: criteria provided, single submitter. Criteria: Invitae Variant Classification Sherloc (09022015). Collection method: clinical testing. Allele origin: germline.
Comment: This sequence change replaces aspartic acid, which is acidic and polar, with tyrosine, which is neutral and polar, at codon 975 of the ADAMTS10 protein (p.Asp975Tyr). This variant is not present in population databases (gnomAD no frequency). This variant has not been reported in the literature in individuals affected with ADAMTS10-related conditions. An algorithm developed to predict the effect of missense changes on protein structure and function (PolyPhen-2) suggests that this variant is likely to be disruptive. In summary, the available evidence is currently insufficient to determine the role of this variant in disease. Therefore, it has been classified as a Variant of Uncertain Significance.